The following is an entry in ClinVar:

NM_000138.5(FBN1):c.3654C>G (p.Ser1218Arg)

Gene: FBN1 (fibrillin 1; minus strand). Cytogenetic location: 15q21.1.
Variant type: single nucleotide variant.
Coding change: c.3654C>G on transcript NM_000138.5 (MANE Select); coding-DNA position 3654, C replaced by G.
Protein change: p.Ser1218Arg; replaces serine 1218 with arginine.
Molecular consequence: missense variant.
Genome position (GRCh38, 1-based): chr15:48,485,432, G>C on the plus strand (C>G on the coding strand, the complement: FBN1 is on the minus strand). VCF-style: chr15-48485432-G-C. GRCh37 (hg19) VCF-style: chr15-48777629-G-C.
Other names: short protein forms S1218R.
Identifiers: ClinVar variation 931716 (VCV000931716.3), dbSNP rs760712674, ClinGen allele CA392324463.

ClinVar aggregate classification (germline): Uncertain significance (1 of 4 stars; one submission).

Conditions:
Progeroid and marfanoid aspect-lipodystrophy syndrome. Also called: MARFANOID-PROGEROID SYNDROME; MARFAN-PROGEROID-LIPODYSTROPHY SYNDROME; Marfan lipodystrophy syndrome; MARFANOID-PROGEROID-LIPODYSTROPHY SYNDROME. Identifiers: Orphanet 300382, MedGen C4310796, MONDO:0014831, OMIM 616914.

Submission:

Centre for Mendelian Genomics, University Medical Centre Ljubljana
Classification: Uncertain significance for Progeroid and marfanoid aspect-lipodystrophy syndrome. Last evaluated: 2019-09-09. Review status: criteria provided, single submitter. Criteria: ACMG Guidelines, 2015. Collection method: clinical testing. Allele origin: unknown. Affected: yes.
Comment: This variant was classified as: Uncertain significance. The available evidence on this variant's pathogenicity is insufficient or conflicting. The following ACMG criteria were applied in classifying this variant: PM1,PM2,PP3.